The following is an entry in ClinVar:

ClinVar aggregate classification (germline): Likely benign. Review status: criteria provided, multiple submitters, no conflicts (2 of 4 stars). 4 submissions from 4 submitters: Likely benign (4). Last evaluated 2026-01-24.

Conditions:
PLEC-related disorder. Also called: PLEC-related disorders; PLEC-related condition.
Epidermolysis bullosa simplex 5B, with muscular dystrophy (EBS5B). Also called: EPIDERMOLYSIS BULLOSA SIMPLEX AND LIMB-GIRDLE MUSCULAR DYSTROPHY; Epidermolysis bullosa simplex with muscular dystrophy. Identifiers: Orphanet 257, MedGen C2931072, MONDO:0009181, OMIM 226670.
Epidermolysis bullosa simplex, Ogna type (EBS5A). Also called: Pidermolysis bullosa simplex 5A, Ogna type; EPIDERMOLYSIS BULLOSA SIMPLEX 5A, OGNA TYPE. Identifiers: Orphanet 79401, MedGen C0432317, MONDO:0007555, OMIM 131950.
Epidermolysis bullosa simplex 5C, with pyloric atresia (EBS5C). Also called: PLEC1-Related Epidermolysis Bullosa with Pyloric Atresia; PLEC-Related Epidermolysis Bullosa with Pyloric Atresia; Epidermolysis bullosa simplex with pyloric atresia. Identifiers: Orphanet 158684, MedGen C2677349, MONDO:0012807, OMIM 612138.
Epidermolysis bullosa simplex with nail dystrophy (EBS5D). Identifiers: MedGen C4225309, MONDO:0014661, OMIM 616487.
Autosomal recessive limb-girdle muscular dystrophy type 2Q (LGMDR17). Also called: MUSCULAR DYSTROPHY, LIMB-GIRDLE, AUTOSOMAL RECESSIVE 17. Identifiers: Orphanet 254361, MedGen C3150989, MONDO:0013390, OMIM 613723.

Allele frequency attached by ClinVar (database versions not stated): ExAC 0.00007; gnomAD exomes 0.00009 and 0.00013; gnomAD 0.00016 and 0.00019; TOPMed 0.00025; 1000 Genomes Project 0.00080; 1000 Genomes Project 30x 0.00109.
gnomAD v4.1: 218 of 1,612,666 alleles (0.014%); highest among the groups gnomAD compares: East Asian, 0.26%; 1 homozygote.

Submissions (4):

Labcorp Genetics (formerly Invitae), Labcorp
Classification: Likely benign for Autosomal recessive limb-girdle muscular dystrophy type 2Q; Epidermolysis bullosa simplex, Ogna type; Epidermolysis bullosa simplex with nail dystrophy; Epidermolysis bullosa simplex 5C, with pyloric atresia; Epidermolysis bullosa simplex 5B, with muscular dystrophy. Last evaluated: 2026-01-24. Review status: criteria provided, single submitter. Criteria: Invitae Variant Classification Sherloc (09022015). Collection method: clinical testing. Allele origin: germline.

PreventionGenetics, part of Exact Sciences
Classification: Likely benign for PLEC-related condition. Last evaluated: 2025-03-13. Review status: criteria provided, single submitter. Criteria: ACMG Guidelines, 2015. Collection method: clinical testing. Allele origin: germline.
Comment: This variant is classified as likely benign based on ACMG/AMP sequence variant interpretation guidelines (Richards et al. 2015 PMID: 25741868, with internal and published modifications).

Blueprint Genetics
Classification: Likely benign. Last evaluated: 2023-01-09. Review status: criteria provided, single submitter. Criteria: ACMG Guidelines, 2015. Collection method: clinical testing. Allele origin: germline.

CeGaT Center for Human Genetics Tuebingen
Classification: Likely benign. Last evaluated: 2022-07-01. Review status: criteria provided, single submitter. Criteria: CeGaT Center For Human Genetics Tuebingen Variant Classification Criteria Version 2. Collection method: clinical testing. Allele origin: germline. Affected: yes. Observed: 1 variant allele.
Comment: PLEC: BP4, BP7

NM_201384.3(PLEC):c.12954C>T (p.Thr4318=)

Gene: PLEC (plectin; minus strand). Cytogenetic location: 8q24.3.
Variant type: single nucleotide variant.
Coding change: c.12954C>T on transcript NM_201384.3 (MANE Select); coding-DNA position 12954, C replaced by T.
Protein change: p.Thr4318=; no amino-acid change (threonine 4318 retained).
Molecular consequence: synonymous variant.
Genome position (GRCh38, 1-based): chr8:143,916,867, G>A on the plus strand (C>T on the coding strand, the complement: PLEC is on the minus strand). VCF-style: chr8-143916867-G-A. GRCh37 (hg19) VCF-style: chr8-144991035-G-A.
Other names: c.13035C>T, p.Thr4345= (NM_000445.5); c.12912C>T, p.Thr4304= (NM_201378.4); c.12888C>T, p.Thr4296= (NM_201379.3); c.13365C>T, p.Thr4455= (NM_201380.4); c.12858C>T, p.Thr4286= (NM_201381.3); c.12954C>T, p.Thr4318= (NM_201382.4); c.12966C>T, p.Thr4322= (NM_201383.3).
Identifiers: ClinVar variation 539022 (VCV000539022.41), dbSNP rs200622009, ClinGen allele CA4923943.